The following is an entry in ClinVar:

ClinVar aggregate classification (germline): Uncertain significance (1 of 4 stars; one submission).

Conditions:
Temtamy syndrome (TEMTYS). Also called: MENTAL RETARDATION WITH OR WITHOUT CRANIOFACIAL DYSMORPHISM, OCULAR COLOBOMA, OR ABNORMAL CORPUS CALLOSUM. Identifiers: Orphanet 1777, MedGen C1857512, MONDO:0009033, OMIM 218340.

Allele frequency attached by ClinVar (database versions not stated): gnomAD 0.00001; TOPMed 0.00002.
gnomAD v4.1: 3 of 1,614,012 alleles (0.00019%); highest among the groups gnomAD compares: African/African-American, 0.004%; no homozygotes.

Submission:

Labcorp Genetics (formerly Invitae), Labcorp
Classification: Uncertain significance for Temtamy syndrome. Last evaluated: 2025-01-06. Review status: criteria provided, single submitter. Criteria: Invitae Variant Classification Sherloc (09022015). Collection method: clinical testing. Allele origin: germline.
Comment: This sequence change replaces glutamic acid, which is acidic and polar, with aspartic acid, which is acidic and polar, at codon 64 of the C12orf57 protein (p.Glu64Asp). This variant is present in population databases (no rsID available, gnomAD 0.007%). This variant has not been reported in the literature in individuals affected with C12orf57-related conditions. ClinVar contains an entry for this variant (Variation ID: 661160). An algorithm developed to predict the effect of missense changes on protein structure and function (PolyPhen-2) suggests that this variant is likely to be tolerated. In summary, the available evidence is currently insufficient to determine the role of this variant in disease. Therefore, it has been classified as a Variant of Uncertain Significance.

NM_138425.4(C12orf57):c.192G>C (p.Glu64Asp)

Gene: C12orf57 (chromosome 12 open reading frame 57; plus strand). Cytogenetic location: 12p13.31.
Variant type: single nucleotide variant.
Coding change: c.192G>C on transcript NM_138425.4 (MANE Select); coding-DNA position 192, G replaced by C.
Protein change: p.Glu64Asp; replaces glutamic acid 64 with aspartic acid.
Molecular consequence: missense variant. On other transcripts: intron variant (1).
Genome position (GRCh38, 1-based): chr12:6,944,615, G>C. VCF-style: chr12-6944615-G-C. GRCh37 (hg19) VCF-style: chr12-7053778-G-C.
Other names: c.192G>C, p.Glu64Asp (NM_001301834.1); c.153G>C, p.Glu51Asp (NM_001301836.2); c.87G>C, p.Glu29Asp (NM_001301838.2); c.142+50G>C (NM_001301837.2); short protein forms E29D, E51D, E64D.
Identifiers: ClinVar variation 661160 (VCV000661160.6), dbSNP rs1555146059, ClinGen allele CA383744728.